The following is an entry in ClinVar:

NM_015065.3(EXPH5):c.190C>T (p.Gln64Ter)

Gene: EXPH5 (exophilin 5; minus strand). Cytogenetic location: 11q22.3.
Variant type: single nucleotide variant.
Coding change: c.190C>T on transcript NM_015065.3 (MANE Select); coding-DNA position 190, C replaced by T.
Protein change: p.Gln64Ter; replaces glutamine 64 with a stop codon.
Molecular consequence: nonsense. On other transcripts: 5 prime UTR variant (1).
Genome position (GRCh38, 1-based): chr11:108,541,742, G>A on the plus strand (C>T on the coding strand, the complement: EXPH5 is on the minus strand). VCF-style: chr11-108541742-G-A. GRCh37 (hg19) VCF-style: chr11-108412469-G-A.
Other names: c.-39C>T (NM_001144763.2); c.169C>T, p.Gln57Ter (NM_001308019.2); short protein forms Q57*, Q64*.
Identifiers: ClinVar variation 2852547 (VCV002852547.3), dbSNP rs2548212020, ClinGen allele CA382860988.

ClinVar aggregate classification (germline): Uncertain significance (1 of 4 stars; one submission).

Submission:

Labcorp Genetics (formerly Invitae), Labcorp
Classification: Uncertain significance. Last evaluated: 2023-06-13. Review status: criteria provided, single submitter. Criteria: Invitae Variant Classification Sherloc (09022015). Collection method: clinical testing. Allele origin: germline.
Comment: This sequence change creates a premature translational stop signal (p.Gln64*) in the EXPH5 gene. It is expected to result in an absent or disrupted protein product. However, the current clinical and genetic evidence is not sufficient to establish whether loss-of-function variants in EXPH5 cause disease. This variant is not present in population databases (gnomAD no frequency). This variant has not been reported in the literature in individuals affected with EXPH5-related conditions. In summary, the available evidence is currently insufficient to determine the role of this variant in disease. Therefore, it has been classified as a Variant of Uncertain Significance.